The following is an entry in ClinVar:

NM_000211.5(ITGB2):c.1760G>A (p.Arg587His)

Gene: ITGB2 (integrin subunit beta 2; minus strand). Cytogenetic location: 21q22.3.
Variant type: single nucleotide variant.
Coding change: c.1760G>A on transcript NM_000211.5 (MANE Select); coding-DNA position 1760, G replaced by A.
Protein change: p.Arg587His; replaces arginine 587 with histidine.
Molecular consequence: missense variant.
Genome position (GRCh38, 1-based): chr21:44,889,393, C>T on the plus strand (G>A on the coding strand, the complement: ITGB2 is on the minus strand). VCF-style: chr21-44889393-C-T. GRCh37 (hg19) VCF-style: chr21-46309308-C-T.
Other names: c.1760G>A, p.Arg587His (NM_001127491.3); c.1553G>A, p.Arg518His (NM_001303238.2); short protein forms R518H, R587H.
Identifiers: ClinVar variation 937642 (VCV000937642.5), dbSNP rs772406915, ClinGen allele CA10062714.
Genomic context (GRCh38, chr21:44,889,393, plus strand): 5'-TAGCCTGAATGGCACTCGCATACGTTGCAGCGGCACCGGCCACGACCACTACACTCAACA[C>T]GCCGCGGGTTCAGGCAGCCCTCAGTGGTCCTCTCGCACTGGCACGCTGAGCCCTCAAAGC-3'
Protein context (NP_000202.3, residues 577-597): RTTEGCLNPR[Arg587His]VECSGRGRCR

ClinVar aggregate classification (germline): Uncertain significance (1 of 4 stars; one submission).

Conditions:
Leukocyte adhesion deficiency 1 (LAD1). Also called: LEUKOCYTE ADHESION DEFICIENCY, TYPE I; LAD 1; Lymphocyte function-associated antigen 1 immunodeficiency; LFA 1 immunodeficiency. Identifiers: Orphanet 2968, Orphanet 99842, MedGen C0398738, MONDO:0007293, OMIM 116920.

Allele frequency attached by ClinVar (database versions not stated): ExAC 0.00001; TOPMed 0.00001; gnomAD exomes 0.00002.
gnomAD v4.1: 10 of 1,612,838 alleles (0.00062%); highest among the groups gnomAD compares: Admixed American, 0.0033%; 1 homozygote.

Submission:

Labcorp Genetics (formerly Invitae), Labcorp
Classification: Uncertain significance for Leukocyte adhesion deficiency 1. Last evaluated: 2021-09-24. Review status: criteria provided, single submitter. Criteria: Invitae Variant Classification Sherloc (09022015). Collection method: clinical testing. Allele origin: germline.
Comment: This sequence change replaces arginine with histidine at codon 587 of the ITGB2 protein (p.Arg587His). The arginine residue is weakly conserved and there is a small physicochemical difference between arginine and histidine. This variant is present in population databases (rs772406915, ExAC 0.01%). This variant has not been reported in the literature in individuals affected with ITGB2-related conditions. Algorithms developed to predict the effect of missense changes on protein structure and function (SIFT, PolyPhen-2, Align-GVGD) all suggest that this variant is likely to be tolerated. In summary, the available evidence is currently insufficient to determine the role of this variant in disease. Therefore, it has been classified as a Variant of Uncertain Significance.